The following is an entry in ClinVar:

ClinVar aggregate classification (germline): Uncertain significance (1 of 4 stars; one submission).

Conditions:
Costello syndrome (CSTLO). Also called: FACIOCUTANEOSKELETAL SYNDROME; HRAS-Related Costello Syndrome; FCS SYNDROME. Identifiers: Orphanet 3071, MedGen C0587248, MONDO:0009026, OMIM 218040.

Submission:

Labcorp Genetics (formerly Invitae), Labcorp
Classification: Uncertain significance for Costello syndrome. Last evaluated: 2025-07-03. Review status: criteria provided, single submitter. Criteria: Invitae Variant Classification Sherloc (09022015). Collection method: clinical testing. Allele origin: germline.
Comment: This sequence change replaces glutamine, which is neutral and polar, with glutamic acid, which is acidic and polar, at codon 131 of the HRAS protein (p.Gln131Glu). This variant is not present in population databases (gnomAD no frequency). This variant has not been reported in the literature in individuals affected with HRAS-related conditions. ClinVar contains an entry for this variant (Variation ID: 1022017). Invitae Evidence Modeling of protein sequence and biophysical properties (such as structural, functional, and spatial information, amino acid conservation, physicochemical variation, residue mobility, and thermodynamic stability) indicates that this missense variant is not expected to disrupt HRAS protein function with a negative predictive value of 95%. In summary, the available evidence is currently insufficient to determine the role of this variant in disease. Therefore, it has been classified as a Variant of Uncertain Significance.

NM_005343.4(HRAS):c.391C>G (p.Gln131Glu)

Genes: HRAS (HRas proto-oncogene, GTPase; minus strand), LRRC56 (leucine rich repeat containing 56; plus strand). Cytogenetic location: 11p15.5.
Variant type: single nucleotide variant.
Coding change: c.391C>G on transcript NM_005343.4 (MANE Select); coding-DNA position 391, C replaced by G.
Protein change: p.Gln131Glu; replaces glutamine 131 with glutamic acid.
Molecular consequence: missense variant. On other transcripts: synonymous variant (1).
Genome position (GRCh38, 1-based): chr11:533,512, G>C on the plus strand (C>G on the coding strand, the complement: HRAS is on the minus strand). VCF-style: chr11-533512-G-C. GRCh37 (hg19) VCF-style: chr11-533512-G-C.
Other names: c.391C>G, p.Gln131Glu (NM_001130442.3, NM_176795.5); c.72C>G, p.Leu24= (NM_001318054.2); short protein forms Q131E.
Identifiers: ClinVar variation 1022017 (VCV001022017.9), dbSNP rs376688893, ClinGen allele CA378923016.